The following is an entry in ClinVar:

GRCh38/hg38 12q14.1(chr12:62284682-62605682)x3

Genes: LINC01465 (long intergenic non-protein coding RNA 1465; minus strand), MIRLET7I (microRNA let-7i; plus strand), MIRLET7IHG (MIRLET7I host gene; plus strand), MON2 (MON2 homolog, regulator of endosome-to-Golgi trafficking; plus strand), MON2-AS1 (MON2 antisense RNA 1; minus strand) and 5 more. Cytogenetic location: 12q14.1.
Variant type: copy number gain.
Change: copy number 3 (three copies instead of two) of chr12:62,284,682-62,605,682 (321.0 kb, GRCh38 coordinates, 1-based), cytogenetic band 12q14.1.
Identifiers: ClinVar variation 58228 (VCV000058228.1).

ClinVar aggregate classification (germline): Uncertain significance (1 of 4 stars; one submission).

Submission:

ISCA site 15
Classification: Uncertain significance. Last evaluated: 2011-08-12. Review status: criteria provided, single submitter. Criteria: Kaminsky et al. (Genet Med. 2011). Collection method: clinical testing. Allele origin: paternal. Affected: yes. Observed: 1 variant allele.
Comment: Copy number variation identified through the course of routine clinical cytogenomic testing in postnatal populations. Clinical assertions have been curated as described in Kaminsky et al. 2011.